The following is an entry in ClinVar:

NM_000198.4(HSD3B2):c.759T>G (p.Tyr253Ter)

Gene: HSD3B2 (hydroxy-delta-5-steroid dehydrogenase, 3 beta- and steroid delta-isomerase 2; plus strand). Cytogenetic location: 1p12.
Variant type: single nucleotide variant.
Coding change: c.759T>G on transcript NM_000198.4 (MANE Select); coding-DNA position 759, T replaced by G.
Protein change: p.Tyr253Ter; replaces tyrosine 253 with a stop codon.
Molecular consequence: nonsense.
Genome position (GRCh38, 1-based): chr1:119,422,260, T>G. VCF-style: chr1-119422260-T-G. GRCh37 (hg19) VCF-style: chr1-119964883-T-G.
Other names: c.759T>G, p.Tyr253Ter (NM_001166120.2); short protein forms Y253*.
Identifiers: ClinVar variation 933431 (VCV000933431.2), dbSNP rs1651909230, ClinGen allele CA341398241.

ClinVar aggregate classification (germline): Likely pathogenic (1 of 4 stars; one submission).

Submission:

Labcorp Genetics (formerly Invitae), Labcorp
Classification: Likely pathogenic. Last evaluated: 2019-09-13. Review status: criteria provided, single submitter. Criteria: Invitae Variant Classification Sherloc (09022015). Collection method: clinical testing. Allele origin: germline.
Comment: This sequence change results in a premature translational stop signal in the HSD3B2 gene (p.Tyr253*). While this is not anticipated to result in nonsense mediated decay, it is expected to disrupt the last 120 amino acids of the HSD3B2 protein. This variant is not present in population databases (ExAC no frequency). This variant has not been reported in the literature in individuals with HSD3B2-related conditions. This variant disrupts the C-terminus of the HSD3B2 protein, which has been demonstrated to be critical for enzymatic activity (PMID: 1825279). While functional studies have not been performed to directly test the effect of this variant on HSD3B2 protein function, this suggests that disruption of this region of the protein is causative of disease. In summary, the currently available evidence indicates that the variant is pathogenic, but additional data are needed to prove that conclusively. Therefore, this variant has been classified as Likely Pathogenic.

Literature cited by the submitters: PubMed 1825279.